The following is an entry in ClinVar:

NM_173728.4(ARHGEF15):c.1574+4_1574+5del

Gene: ARHGEF15 (Rho guanine nucleotide exchange factor 15; plus strand). Cytogenetic location: 17p13.1.
Variant type: Deletion.
Coding change: c.1574+4_1574+5del on transcript NM_173728.4 (MANE Select); bases 4 to 5 of the intron after coding-DNA position 1574, 2 bases deleted (AG; older notation c.1574+4_1574+5delAG).
Molecular consequence: intron variant.
Genome position (GRCh38, 1-based): chr17:8,315,911-8,315,912, AG deleted; deleting any 2 consecutive bases within chr17:8,315,910-8,315,912 gives the same sequence; the c. name uses the placement nearest the transcript's 3' end. VCF-style (leftmost placement, unchanged base first): chr17-8315909-TGA-T. GRCh37 (hg19) VCF-style: chr17-8219227-TGA-T.
Other names: c.1574+4_1574+5del (NM_025014.2).
Identifiers: ClinVar variation 4738312 (VCV004738312.1).

ClinVar aggregate classification (germline): Uncertain significance (1 of 4 stars; one submission).

Conditions:
Early-infantile DEE. Also called: Early infantile epileptic encephalopathy; Early infantile epileptic encephalopathy with suppression bursts; Ohtahara syndrome. Identifiers: Orphanet 1934, MedGen C0393706, MONDO:0800491.

Submission:

Labcorp Genetics (formerly Invitae), Labcorp
Classification: Uncertain significance for Early-infantile DEE. Last evaluated: 2025-11-27. Review status: criteria provided, single submitter. Criteria: Invitae Variant Classification Sherloc (09022015). Collection method: clinical testing. Allele origin: germline.
Comment: This sequence change falls in intron 8 of the ARHGEF15 gene. It does not directly change the encoded amino acid sequence of the ARHGEF15 protein. It affects a nucleotide within the consensus splice site. This variant is present in population databases (no rsID available, gnomAD 0.002%). This variant has not been reported in the literature in individuals affected with ARHGEF15-related conditions. Variants that disrupt the consensus splice site are a relatively common cause of aberrant splicing (PMID: 17576681, 9536098). Algorithms developed to predict the effect of sequence changes on RNA splicing suggest that this variant may disrupt the consensus splice site. In summary, the available evidence is currently insufficient to determine the role of this variant in disease. Therefore, it has been classified as a Variant of Uncertain Significance.

Literature cited by the submitters: PubMed 17576681; PubMed 9536098.